The following is an entry in ClinVar:

ClinVar aggregate classification (germline): Uncertain significance (1 of 4 stars; one submission).

Conditions:
Congenital disorder of deglycosylation (CDDG). Identifiers: MedGen C3808991, MONDO:0031376.

Allele frequency attached by ClinVar (database versions not stated): gnomAD exomes below 0.00001; ExAC 0.00001.
gnomAD v4.1: 1 of 1,613,742 alleles (0.000062%); highest among the groups gnomAD compares: East Asian, 0.0022%; no homozygotes.

Submission:

Labcorp Genetics (formerly Invitae), Labcorp
Classification: Uncertain significance for Congenital disorder of deglycosylation. Last evaluated: 2022-07-26. Review status: criteria provided, single submitter. Criteria: Invitae Variant Classification Sherloc (09022015). Collection method: clinical testing. Allele origin: germline.
Comment: In summary, the available evidence is currently insufficient to determine the role of this variant in disease. Therefore, it has been classified as a Variant of Uncertain Significance. Algorithms developed to predict the effect of missense changes on protein structure and function are either unavailable or do not agree on the potential impact of this missense change (SIFT: "Tolerated"; PolyPhen-2: "Possibly Damaging"; Align-GVGD: "Class C0"). ClinVar contains an entry for this variant (Variation ID: 577651). This sequence change replaces serine, which is neutral and polar, with alanine, which is neutral and non-polar, at codon 392 of the NGLY1 protein (p.Ser392Ala). This variant is present in population databases (rs766571083, gnomAD 0.006%). This variant has not been reported in the literature in individuals affected with NGLY1-related conditions.

NM_018297.4(NGLY1):c.1174T>G (p.Ser392Ala)

Gene: NGLY1 (N-glycanase 1; minus strand). Cytogenetic location: 3p24.2.
Variant type: single nucleotide variant.
Coding change: c.1174T>G on transcript NM_018297.4 (MANE Select); coding-DNA position 1174, T replaced by G.
Protein change: p.Ser392Ala; replaces serine 392 with alanine.
Molecular consequence: missense variant.
Genome position (GRCh38, 1-based): chr3:25,733,958, A>C on the plus strand (T>G on the coding strand, the complement: NGLY1 is on the minus strand). VCF-style: chr3-25733958-A-C. GRCh37 (hg19) VCF-style: chr3-25775449-A-C.
Other names: c.1120T>G, p.Ser374Ala (NM_001145293.2); c.1048T>G, p.Ser350Ala (NM_001145294.2); c.1174T>G, p.Ser392Ala (NM_001145295.2); short protein forms S392A, S350A, S374A.
Identifiers: ClinVar variation 577651 (VCV000577651.7), dbSNP rs766571083, ClinGen allele CA2289232.